The following is an entry in ClinVar:

ClinVar aggregate classification (germline): Benign (0 of 4 stars; one submission).

Conditions:
SHROOM4-related disorder. Also called: SHROOM4-related condition.

Allele frequency attached by ClinVar (database versions not stated): TOPMed 0.00007; ESP Exome Variant Server 0.00009; gnomAD 0.00014; 1000 Genomes Project 30x 0.00021; 1000 Genomes Project 0.00026; gnomAD exomes 0.00027; ExAC 0.00049.
gnomAD v4.1: 306 of 1,210,359 alleles (0.025%); highest among the groups gnomAD compares: South Asian, 0.42%; 1 homozygote.

Submission:

PreventionGenetics, part of Exact Sciences
Classification: Benign for SHROOM4-related condition. Last evaluated: 2019-05-10. Review status: no assertion criteria provided. Collection method: clinical testing. Allele origin: germline.
Comment: This variant is classified as benign based on ACMG/AMP sequence variant interpretation guidelines (Richards et al. 2015 PMID: 25741868, with internal and published modifications).

NM_020717.5(SHROOM4):c.2416C>T (p.Pro806Ser)

Gene: SHROOM4 (shroom family member 4; minus strand). Cytogenetic location: Xp11.22.
Variant type: single nucleotide variant.
Coding change: c.2416C>T on transcript NM_020717.5 (MANE Select); coding-DNA position 2416, C replaced by T.
Protein change: p.Pro806Ser; replaces proline 806 with serine.
Molecular consequence: missense variant. On other transcripts: non-coding transcript variant (4).
Genome position (GRCh38, 1-based): chrX:50,633,657, G>A on the plus strand (C>T on the coding strand, the complement: SHROOM4 is on the minus strand). VCF-style: chrX-50633657-G-A. GRCh37 (hg19) VCF-style: chrX-50376657-G-A.
Other names: short protein forms P806S.
Identifiers: ClinVar variation 3041617 (VCV003041617.2), dbSNP rs373003318, ClinGen allele CA10416132.
Genomic context (GRCh38, chrX:50,633,657, plus strand): 5'-TGGGATGGCGCCTCAATTCCCTACAGCTGGAGCTCATTGGCTGGAAGTTTTGGTCTATAG[G>A]TTTTGGTCTCTGGGTAAAAGTCTTGTTGCTATGAGTGGTTAAACCTGGCAAATGAGATGT-3'
Protein context (NP_065768.2, residues 796-816): SNKTFTQRPK[Pro806Ser]IDQNFQPMSS